The following is an entry in ClinVar:

NM_024426.6(WT1):c.590A>G (p.Gln197Arg)

Genes: WT1 (WT1 transcription factor; minus strand), LOC107982234 (WT1/WT1-AS bi-directional promoter region; plus strand). Cytogenetic location: 11p13.
Variant type: single nucleotide variant.
Coding change: c.590A>G on transcript NM_024426.6 (MANE Select); coding-DNA position 590, A replaced by G.
Protein change: p.Gln197Arg; replaces glutamine 197 with arginine.
Molecular consequence: missense variant. On other transcripts: non-coding transcript variant (1).
Genome position (GRCh38, 1-based): chr11:32,434,771, T>C on the plus strand (A>G on the coding strand, the complement: WT1 is on the minus strand). VCF-style: chr11-32434771-T-C. GRCh37 (hg19) VCF-style: chr11-32456317-T-C.
Other names: c.590A>G, p.Gln197Arg (NM_000378.6, NM_024424.5); short protein forms Q197R.
Identifiers: ClinVar variation 940567 (VCV000940567.12), dbSNP rs1853436737, ClinGen allele CA379964580.
Genomic context (GRCh38, chr11:32,434,771, plus strand): 5'-ATAGCGGGCTGGCTCTCGAGGCAGCTGGGCAGGTAGGGCGCGTTAGGAAACATCCTGGCC[T>C]GGCCGGATGACGCCTGGCTGGGCGGAGGAGGACCGAAGGGCCCGTAGCGACAGGCTCCGG-3'
Protein context (NP_077744.4, residues 187-207): PPPPSQASSG[Gln197Arg]ARMFPNAPYL

ClinVar aggregate classification (germline): Uncertain significance. Review status: criteria provided, multiple submitters, no conflicts (2 of 4 stars). 3 submissions from 3 submitters: Uncertain significance (3). Last evaluated 2024-11-25.

Conditions:
Drash syndrome (DDS). Also called: WILMS TUMOR AND PSEUDO- OR TRUE HERMAPHRODITISM; NEPHROPATHY, WILMS TUMOR, AND GENITAL ANOMALIES. Identifiers: Orphanet 220, MedGen C0950121, MONDO:0008682, OMIM 194080.
Frasier syndrome. Identifiers: Orphanet 347, MedGen C0950122, MeSH D052159, MONDO:0007635, OMIM 136680.
Wilms tumor 1 (WT1). Also called: Wilms tumor, somatic. Identifiers: Orphanet 654, MedGen CN033288, MONDO:0008679, OMIM 194070.
11p partial monosomy syndrome (WAGR). Also called: WAGR syndrome; CHROMOSOME 11p13 DELETION SYNDROME; WAGR Complex; WAGR Spectrum Disorder. Identifiers: Orphanet 893, MedGen C0206115, MONDO:0008681, OMIM 194072.
Inborn genetic diseases. Identifiers: MedGen C0950123, MeSH D030342.

Submissions (3):

Ambry Genetics
Classification: Uncertain significance for Inborn genetic diseases. Last evaluated: 2024-11-25. Review status: criteria provided, single submitter. Criteria: Ambry Variant Classification Scheme 2023. Collection method: clinical testing. Allele origin: germline.
Comment: The p.Q192R variant (also known as c.575A>G), located in coding exon 1 of the WT1 gene, results from an A to G substitution at nucleotide position 575. The glutamine at codon 192 is replaced by arginine, an amino acid with highly similar properties. This amino acid position is conserved. In addition, the in silico prediction for this alteration is inconclusive. Based on the available evidence, the clinical significance of this variant remains unclear.

All of Us Research Program, National Institutes of Health
Classification: Uncertain significance for Wilms tumor 1. Last evaluated: 2023-12-13. Review status: criteria provided, single submitter. Criteria: ACMG Guidelines, 2015. Collection method: clinical testing. Allele origin: germline. Inheritance: Autosomal dominant inheritance. Observed: 1 variant allele, 1 heterozygote.
Comment: This missense variant replaces glutamine with arginine at codon 192 of the WT1 protein. Computational prediction suggests that this variant may have deleterious impact on protein structure and function. To our knowledge, functional studies have not been reported for this variant. This variant has not been reported in individuals affected with WT1-related disorders in the literature. This variant has not been identified in the general population by the Genome Aggregation Database (gnomAD). The available evidence is insufficient to determine the role of this variant in disease conclusively. Therefore, this variant is classified as a Variant of Uncertain Significance.

This study involves interpretation of variants in research participants for the purpose of population health screening. Participant phenotype was not available at the time of variant classification. Additional details can be found in publication PMID: 35346344, PMCID: PMC8962531

Labcorp Genetics (formerly Invitae), Labcorp
Classification: Uncertain significance for Wilms tumor 1; Drash syndrome; 11p partial monosomy syndrome; Frasier syndrome. Last evaluated: 2020-10-05. Review status: criteria provided, single submitter. Criteria: Invitae Variant Classification Sherloc (09022015). Collection method: clinical testing. Allele origin: germline.
Comment: Algorithms developed to predict the effect of missense changes on protein structure and function (SIFT, PolyPhen-2, Align-GVGD) all suggest that this variant is likely to be disruptive, but these predictions have not been confirmed by published functional studies and their clinical significance is uncertain. In summary, the available evidence is currently insufficient to determine the role of this variant in disease. Therefore, it has been classified as a Variant of Uncertain Significance. This variant has not been reported in the literature in individuals with WT1-related conditions. This variant is not present in population databases (ExAC no frequency). This sequence change replaces glutamine with arginine at codon 192 of the WT1 protein (p.Gln192Arg). The glutamine residue is highly conserved and there is a small physicochemical difference between glutamine and arginine.